The following is an entry in ClinVar:

NM_001277307.2(MAGEB17):c.765C>T (p.Tyr255=)

Gene: MAGEB17 (MAGE family member B17; plus strand). Cytogenetic location: Xp22.2.
Variant type: single nucleotide variant.
Coding change: c.765C>T on transcript NM_001277307.2 (MANE Select); coding-DNA position 765, C replaced by T.
Protein change: p.Tyr255=; no amino-acid change (tyrosine 255 retained).
Molecular consequence: synonymous variant.
Genome position (GRCh38, 1-based): chrX:16,171,147, C>T. VCF-style: chrX-16171147-C-T. GRCh37 (hg19) VCF-style: chrX-16189270-C-T.
Identifiers: ClinVar variation 2660065 (VCV002660065.24), dbSNP rs764652772, ClinGen allele CA10356711.

ClinVar aggregate classification (germline): Likely benign (1 of 4 stars; one submission).

Allele frequency attached by ClinVar (database versions not stated): TOPMed below 0.00001; ExAC 0.00001.

Submission:

CeGaT Center for Human Genetics Tuebingen
Classification: Likely benign. Last evaluated: 2022-03-01. Review status: criteria provided, single submitter. Criteria: CeGaT Center For Human Genetics Tuebingen Variant Classification Criteria Version 2. Collection method: clinical testing. Allele origin: germline. Affected: yes. Observed: 1 variant allele.
Comment: MAGEB17: BP4, BP7